The following is an entry in ClinVar:

ClinVar aggregate classification (germline): Benign/Likely benign. Review status: criteria provided, multiple submitters, no conflicts (2 of 4 stars). 11 submissions from 11 submitters: Benign (4); Likely benign (7). Last evaluated 2026-04-16.

Conditions:
DICER1-related tumor predisposition. Also called: DICER1 syndrome; DICER1-related pleuropulmonary blastoma cancer predisposition syndrome. Identifiers: Orphanet 284343, MedGen C3839822, MONDO:0100216.
Hereditary cancer-predisposing syndrome. Also called: Tumor predisposition; Hereditary Cancer Syndrome; Neoplastic Syndromes, Hereditary; Hereditary neoplastic syndrome. Identifiers: Orphanet 140162, MedGen C0027672, MeSH D009386, MONDO:0015356.
Global developmental delay - lung cysts - overgrowth - Wilms tumor syndrome. Also called: GLOBAL DEVELOPMENTAL DELAY, LUNG CYSTS, OVERGROWTH, AND WILMS TUMOR; GLOW Syndrome. Identifiers: Orphanet 404476, MedGen C4748924, MONDO:0018445, OMIM 618272.
Pleuropulmonary blastoma (PPB). Identifiers: Orphanet 64742, MedGen C1266144, MONDO:0011014, OMIM 601200, HP:0100528.
Rhabdomyosarcoma, embryonal, 2 (RMSE2). Identifiers: MedGen C1867234, MONDO:0859046, OMIM 180295.
Euthyroid goiter (MNG1). Also called: Goiter, multinodular 1, with or without Sertoli-Leydig cell tumors; GOITER, NONTOXIC, WITH INTRATHYROIDAL CALCIFICATION; MULTINODULAR GOITER, ADOLESCENT; SIMPLE GOITER. Identifiers: Orphanet 276399, MedGen C0302859, MONDO:0007681, OMIM 138800, HP:0009798.

Allele frequency attached by ClinVar (database versions not stated): 1000 Genomes Project 30x 0.00109; gnomAD 0.00113 and 0.00123; 1000 Genomes Project 0.00120; TOPMed 0.00125; ESP Exome Variant Server 0.00131.
gnomAD v4.1: 347 of 1,613,598 alleles (0.022%); highest among the groups gnomAD compares: African/African-American, 0.38%; no homozygotes.

Submissions (11):

Myriad Genetics, Inc.
Classification: Benign for DICER1-related tumor predisposition. Last evaluated: 2026-04-16. Review status: criteria provided, single submitter. Criteria: Myriad Autosomal Dominant, Autosomal Recessive and X-Linked Classification Criteria (2023). Collection method: clinical testing. Allele origin: unknown.
Comment: This variant is considered benign. This variant is intronic and is not expected to impact mRNA splicing. This variant has been observed at a population frequency that is significantly greater than expected given the associated disease prevalence and penetrance.

Labcorp Genetics (formerly Invitae), Labcorp
Classification: Benign for DICER1-related tumor predisposition. Last evaluated: 2026-02-03. Review status: criteria provided, single submitter. Criteria: Invitae Variant Classification Sherloc (09022015). Collection method: clinical testing. Allele origin: germline.

ARUP Laboratories, Molecular Genetics and Genomics, ARUP Laboratories
Classification: Likely benign. Last evaluated: 2025-05-06. Review status: criteria provided, single submitter. Criteria: ARUP Molecular Germline Variant Investigation Process 2024. Collection method: clinical testing. Allele origin: germline.

Blueprint Genetics
Classification: Likely benign. Last evaluated: 2024-11-20. Review status: criteria provided, single submitter. Criteria: ACMG Guidelines, 2015. Collection method: clinical testing. Allele origin: germline.

CeGaT Center for Human Genetics Tuebingen
Classification: Likely benign. Last evaluated: 2024-06-01. Review status: criteria provided, single submitter. Criteria: CeGaT Center For Human Genetics Tuebingen Variant Classification Criteria Version 2. Collection method: clinical testing. Allele origin: germline. Affected: yes. Observed: 1 variant allele.
Comment: DICER1: BP4, BS1

Fulgent Genetics
Classification: Likely benign for Euthyroid goiter; Rhabdomyosarcoma, embryonal, 2; Pleuropulmonary blastoma; Global developmental delay - lung cysts - overgrowth - Wilms tumor syndrome. Last evaluated: 2021-09-27. Review status: criteria provided, single submitter. Criteria: ACMG Guidelines, 2015. Collection method: clinical testing. Allele origin: unknown.

GeneDx
Classification: Likely benign. Last evaluated: 2021-03-22. Review status: criteria provided, single submitter. Criteria: GeneDx Variant Classification Process June 2021. Collection method: clinical testing. Allele origin: germline. Affected: yes.

Sema4
Classification: Benign for Hereditary cancer-predisposing syndrome. Last evaluated: 2020-09-10. Review status: criteria provided, single submitter. Criteria: Sema4 Curation Guidelines. Collection method: curation. Allele origin: germline.

Ambry Genetics
Classification: Likely benign for Hereditary cancer-predisposing syndrome. Last evaluated: 2019-02-15. Review status: criteria provided, single submitter. Criteria: Ambry Variant Classification Scheme 2023. Collection method: clinical testing. Allele origin: germline.

Illumina Laboratory Services, Illumina
Classification: Benign for Pleuropulmonary blastoma. Last evaluated: 2018-01-13. Review status: criteria provided, single submitter. Criteria: ICSL Variant Classification Criteria 13 December 2019. Collection method: clinical testing. Allele origin: germline.
Comment: This variant was observed in the ICSL laboratory as part of a predisposition screen in an ostensibly healthy population. It had not been previously curated by ICSL or reported in the Human Gene Mutation Database (HGMD: prior to June 1st, 2018), and was therefore a candidate for classification through an automated scoring system. Utilizing variant allele frequency, disease prevalence and penetrance estimates, and inheritance mode, an automated score was calculated to assess if this variant is too frequent to cause the disease. Based on the score and internal cut-off values, a variant classified as benign is not then subjected to further curation. The score for this variant resulted in a classification of benign for this disease.

Breakthrough Genomics
Classification: Likely benign. Review status: criteria provided, single submitter. Criteria: ACMG Guidelines, 2015. Collection method: not provided. Allele origin: germline. Inheritance: Autosomal dominant inheritance. Affected: yes.

NM_177438.3(DICER1):c.1908-4A>G

Gene: DICER1 (dicer 1, ribonuclease III; minus strand). Cytogenetic location: 14q32.13.
Variant type: single nucleotide variant.
Coding change: c.1908-4A>G on transcript NM_177438.3 (MANE Select); 4 bases into the intron before coding-DNA position 1908, A replaced by G.
Molecular consequence: intron variant.
Genome position (GRCh38, 1-based): chr14:95,113,228, T>C on the plus strand (A>G on the coding strand, the complement: DICER1 is on the minus strand). VCF-style: chr14-95113228-T-C. GRCh37 (hg19) VCF-style: chr14-95579565-T-C.
Other names: c.1908-4A>G (NM_001291628.2, NM_030621.4, NM_001271282.3 and 1 more transcripts).
Identifiers: ClinVar variation 242053 (VCV000242053.47), dbSNP rs112284114, ClinGen allele CA7331358.